The following is an entry in ClinVar:

NM_001077350.3(NPRL3):c.125C>T (p.Pro42Leu)

Genes: HBA-LCR (alpha-globin locus control region; plus strand), NPRL3 (NPR3 like, GATOR1 complex subunit; minus strand). Cytogenetic location: 16p13.3.
Variant type: single nucleotide variant.
Coding change: c.125C>T on transcript NM_001077350.3 (MANE Select); coding-DNA position 125, C replaced by T.
Protein change: p.Pro42Leu; replaces proline 42 with leucine.
Molecular consequence: missense variant. On other transcripts: 5 prime UTR variant (2).
Genome position (GRCh38, 1-based): chr16:130,585, G>A on the plus strand (C>T on the coding strand, the complement: NPRL3 is on the minus strand). VCF-style: chr16-130585-G-A. GRCh37 (hg19) VCF-style: chr16-180584-G-A.
Other names: c.-208C>T (NM_001039476.3); c.-247C>T (NM_001243247.2); c.125C>T, p.Pro42Leu (NM_001243248.2, NM_001243249.2); short protein forms P42L.
Identifiers: ClinVar variation 645237 (VCV000645237.40), dbSNP rs762676113, ClinGen allele CA7769769.

ClinVar aggregate classification (germline): Uncertain significance. Review status: criteria provided, multiple submitters, no conflicts (2 of 4 stars). 3 submissions from 3 submitters: Uncertain significance (3). Last evaluated 2025-11-03.

Conditions:
Inborn genetic diseases. Identifiers: MedGen C0950123, MeSH D030342.
Epilepsy, familial focal, with variable foci 3 (FFEVF3). Identifiers: MedGen C4310708, MONDO:0014925, OMIM 617118.

Allele frequency attached by ClinVar (database versions not stated): gnomAD 0.00003; TOPMed 0.00003; gnomAD exomes 0.00004; ExAC 0.00010.

Submissions (3):

Labcorp Genetics (formerly Invitae), Labcorp
Classification: Uncertain significance for Epilepsy, familial focal, with variable foci 3. Last evaluated: 2025-11-03. Review status: criteria provided, single submitter. Criteria: Invitae Variant Classification Sherloc (09022015). Collection method: clinical testing. Allele origin: germline.
Comment: This sequence change replaces proline, which is neutral and non-polar, with leucine, which is neutral and non-polar, at codon 42 of the NPRL3 protein (p.Pro42Leu). This variant is present in population databases (rs762676113, gnomAD 0.01%). This variant has not been reported in the literature in individuals affected with NPRL3-related conditions. ClinVar contains an entry for this variant (Variation ID: 645237). Invitae Evidence Modeling of protein sequence and biophysical properties (such as structural, functional, and spatial information, amino acid conservation, physicochemical variation, residue mobility, and thermodynamic stability) indicates that this missense variant is not expected to disrupt NPRL3 protein function with a negative predictive value of 80%. In summary, the available evidence is currently insufficient to determine the role of this variant in disease. Therefore, it has been classified as a Variant of Uncertain Significance.

Ambry Genetics
Classification: Uncertain significance for Inborn genetic diseases. Last evaluated: 2024-03-04. Review status: criteria provided, single submitter. Criteria: Ambry Variant Classification Scheme 2023. Collection method: clinical testing. Allele origin: germline.

CeGaT Center for Human Genetics Tuebingen
Classification: Uncertain significance. Last evaluated: 2022-11-01. Review status: criteria provided, single submitter. Criteria: CeGaT Center For Human Genetics Tuebingen Variant Classification Criteria Version 2. Collection method: clinical testing. Allele origin: germline. Affected: yes. Observed: 1 variant allele.